The following is an entry in ClinVar:

ClinVar aggregate classification (germline): Likely benign. Review status: criteria provided, multiple submitters, no conflicts (2 of 4 stars). 3 submissions from 3 submitters: Likely benign (3). Last evaluated 2025-02-27.

Conditions:
Hereditary cancer-predisposing syndrome. Also called: Tumor predisposition; Hereditary neoplastic syndrome; Neoplastic Syndromes, Hereditary; Hereditary Cancer Syndrome. Identifiers: Orphanet 140162, MedGen C0027672, MeSH D009386, MONDO:0015356.
Familial cancer of breast. Also called: hereditary breast carcinoma; Hereditary breast cancer; BREAST CANCER, FAMILIAL. Identifiers: Orphanet 227535, MedGen C0346153, MONDO:0016419, OMIM 114480. Disease mechanism: loss of function.

Allele frequency attached by ClinVar (database versions not stated): TOPMed below 0.00001.

Submissions (3):

Labcorp Genetics (formerly Invitae), Labcorp
Classification: Likely benign for Familial cancer of breast. Last evaluated: 2025-02-27. Review status: criteria provided, single submitter. Criteria: Invitae Variant Classification Sherloc (09022015). Collection method: clinical testing. Allele origin: germline.

Color Diagnostics, LLC DBA Color Health
Classification: Likely benign for Hereditary cancer-predisposing syndrome. Last evaluated: 2018-08-06. Review status: criteria provided, single submitter. Criteria: ACMG Guidelines, 2015. Collection method: clinical testing. Allele origin: germline.

GeneDx
Classification: Likely benign. Last evaluated: 2015-10-15. Review status: criteria provided, single submitter. Criteria: GeneDx Variant Classification (06012015). Collection method: clinical testing. Allele origin: germline. Affected: yes.
Comment: This variant is considered likely benign or benign based on one or more of the following criteria: it is a conservative change, it occurs at a poorly conserved position in the protein, it is predicted to be benign by multiple in silico algorithms, and/or has population frequency not consistent with disease.

NM_007194.4(CHEK2):c.908+14T>G

Gene: CHEK2 (checkpoint kinase 2; minus strand). Cytogenetic location: 22q12.1.
Variant type: single nucleotide variant.
Coding change: c.908+14T>G on transcript NM_007194.4 (MANE Select); 14 bases into the intron after coding-DNA position 908, T replaced by G.
Molecular consequence: intron variant.
Genome position (GRCh38, 1-based): chr22:28,703,491, A>C on the plus strand (T>G on the coding strand, the complement: CHEK2 is on the minus strand). VCF-style: chr22-28703491-A-C. GRCh37 (hg19) VCF-style: chr22-29099479-A-C.
Other names: c.245+14T>G (NM_001437942.1, NM_001257387.3); c.707+14T>G (NM_001349956.3); c.908+14T>G (NM_145862.3); c.1001+14T>G (NM_001438295.1, NM_001438293.1); c.1037+14T>G (NM_001438294.1, NM_001005735.3).
Identifiers: ClinVar variation 381129 (VCV000381129.12), dbSNP rs538313507, ClinGen allele CA16609086.
Genomic context (GRCh38, chr22:28,703,491, plus strand): 5'-CTACATTAGATTCTTTGGTGGCTTTATAAAGCATTTGAATGGAAACAGAAATTTTTAAAA[A>C]GTTTACTACTTACAATTCCAAAACAATATAATAATCTTCTGCATCAAAAAAGTTTTTAAT-3'